The following is an entry in ClinVar:

ClinVar aggregate classification (germline): Uncertain significance (1 of 4 stars; one submission).

gnomAD v4.1: 2 of 1,608,932 alleles (0.00012%); highest among the groups gnomAD compares: South Asian, 0.0022%; no homozygotes.

Submission:

Labcorp Genetics (formerly Invitae), Labcorp
Classification: Uncertain significance. Last evaluated: 2024-04-08. Review status: criteria provided, single submitter. Criteria: Invitae Variant Classification Sherloc (09022015). Collection method: clinical testing. Allele origin: germline.
Comment: This sequence change replaces cysteine, which is neutral and slightly polar, with arginine, which is basic and polar, at codon 266 of the CEP78 protein (p.Cys266Arg). The frequency data for this variant in the population databases is considered unreliable, as metrics indicate poor data quality at this position in the gnomAD database. This variant has not been reported in the literature in individuals affected with CEP78-related conditions. Advanced modeling of protein sequence and biophysical properties (such as structural, functional, and spatial information, amino acid conservation, physicochemical variation, residue mobility, and thermodynamic stability) performed at Invitae indicates that this missense variant is expected to disrupt CEP78 protein function with a positive predictive value of 80%. In summary, the available evidence is currently insufficient to determine the role of this variant in disease. Therefore, it has been classified as a Variant of Uncertain Significance.

NM_001330691.3(CEP78):c.796T>C (p.Cys266Arg)

Gene: CEP78 (centrosomal protein 78; plus strand). Cytogenetic location: 9q21.2.
Variant type: single nucleotide variant.
Coding change: c.796T>C on transcript NM_001330691.3 (MANE Select); coding-DNA position 796, T replaced by C.
Protein change: p.Cys266Arg; replaces cysteine 266 with arginine.
Molecular consequence: missense variant.
Genome position (GRCh38, 1-based): chr9:78,246,686, T>C. VCF-style: chr9-78246686-T-C. GRCh37 (hg19) VCF-style: chr9-80861602-T-C.
Other names: c.796T>C, p.Cys266Arg (NM_001098802.3, NM_001330693.3, NM_001330694.2 and 4 more transcripts); short protein forms C266R.
Identifiers: ClinVar variation 3675379 (VCV003675379.2).